The following is an entry in ClinVar:

NM_001010874.5(TECRL):c.35G>T (p.Arg12Leu)

Gene: TECRL (trans-2,3-enoyl-CoA reductase like; minus strand). Cytogenetic location: 4q13.1.
Variant type: single nucleotide variant.
Coding change: c.35G>T on transcript NM_001010874.5 (MANE Select); coding-DNA position 35, G replaced by T.
Protein change: p.Arg12Leu; replaces arginine 12 with leucine.
Molecular consequence: missense variant.
Genome position (GRCh38, 1-based): chr4:64,409,317, C>A on the plus strand (G>T on the coding strand, the complement: TECRL is on the minus strand). VCF-style: chr4-64409317-C-A. GRCh37 (hg19) VCF-style: chr4-65275035-C-A.
Other names: c.35G>T, p.Arg12Leu (NM_001363796.1); short protein forms R12L.
Identifiers: ClinVar variation 2449408 (VCV002449408.2), dbSNP rs376067868, ClinGen allele CA357149553.

ClinVar aggregate classification (germline): Uncertain significance (1 of 4 stars; one submission).

Conditions:
Cardiovascular phenotype. Identifiers: MedGen CN230736.

Submission:

Ambry Genetics
Classification: Uncertain significance for Cardiovascular phenotype. Last evaluated: 2023-01-18. Review status: criteria provided, single submitter. Criteria: Ambry Variant Classification Scheme 2023. Collection method: clinical testing. Allele origin: germline.
Comment: The p.R12L variant (also known as c.35G>T), located in coding exon 1 of the TECRL gene, results from a G to T substitution at nucleotide position 35. The arginine at codon 12 is replaced by leucine, an amino acid with dissimilar properties. This amino acid position is conserved. In addition, this alteration is predicted to be tolerated by in silico analysis. Since supporting evidence is limited at this time, the clinical significance of this alteration remains unclear.